The following is an entry in ClinVar:

ClinVar aggregate classification (germline): Uncertain significance (1 of 4 stars; one submission).

Submission:

Ambry Genetics
Classification: Uncertain significance. Last evaluated: 2021-07-18. Review status: criteria provided, single submitter. Criteria: Ambry Variant Classification Scheme 2023. Collection method: clinical testing. Allele origin: germline.
Comment: The p.K644R variant (also known as c.1931A>G), located in coding exon 18 of the SLMAP gene, results from an A to G substitution at nucleotide position 1931. The lysine at codon 644 is replaced by arginine, an amino acid with highly similar properties. This amino acid position is conserved. In addition, this alteration is predicted to be tolerated by in silico analysis. Since supporting evidence is limited at this time, the clinical significance of this alteration remains unclear.

NM_001377540.1(SLMAP):c.2033A>G (p.Lys678Arg)

Gene: SLMAP (sarcolemma associated protein; plus strand). Cytogenetic location: 3p14.3.
Variant type: single nucleotide variant.
Coding change: c.2033A>G on transcript NM_001377540.1 (MANE Select); coding-DNA position 2033, A replaced by G.
Protein change: p.Lys678Arg; replaces lysine 678 with arginine.
Molecular consequence: missense variant. On other transcripts: non-coding transcript variant (1).
Genome position (GRCh38, 1-based): chr3:57,913,170, A>G. VCF-style: chr3-57913170-A-G. GRCh37 (hg19) VCF-style: chr3-57898897-A-G.
Other names: c.1982A>G, p.Lys661Arg (NM_001304420.3, NM_001377541.1, NM_001377542.1); c.1868A>G, p.Lys623Arg (NM_001304421.2, NM_001377557.1, NM_001377559.1); c.584A>G, p.Lys195Arg (NM_001304422.3, NM_001311178.2); c.386A>G, p.Lys129Arg (NM_001304423.3); c.461A>G, p.Lys154Arg (NM_001311179.2, NM_001377926.1, NM_001377927.1 and 1 more transcripts); c.2054A>G, p.Lys685Arg (NM_001377538.1); c.2033A>G, p.Lys678Arg (NM_001377539.1); c.1970A>G, p.Lys657Arg (NM_001377545.1); and 8 more; short protein forms K129R, K582R, K637R, K661R, K195R, K616R, K620R, K657R.
Identifiers: ClinVar variation 1782888 (VCV001782888.2), dbSNP rs2475889318, ClinGen allele CA353408962.
Genomic context (GRCh38, chr3:57,913,170, plus strand): 5'-TGGAAGTTATATTTCTGTATTAACAAATATGTTTTGGGACTATTTTAGGTGAACTAGAGA[A>G]GTTGAGAAAGGAATGGAATGCATTGGAAACCGAATGCCATTCTCTAAAAAGGGAAAATGT-3'
Protein context (NP_001364469.1, residues 668-688): EATRLQGELE[Lys678Arg]LRKEWNALET